The following is an entry in ClinVar:

NM_001165963.4(SCN1A):c.2353A>G (p.Met785Val)

Gene: SCN1A (sodium voltage-gated channel alpha subunit 1; minus strand). Cytogenetic location: 2q24.3.
Variant type: single nucleotide variant.
Coding change: c.2353A>G on transcript NM_001165963.4 (MANE Select); coding-DNA position 2353, A replaced by G.
Protein change: p.Met785Val; replaces methionine 785 with valine.
Molecular consequence: missense variant. On other transcripts: 5 prime UTR variant (1), non-coding transcript variant (1).
Genome position (GRCh38, 1-based): chr2:166,041,293, T>C on the plus strand (A>G on the coding strand, the complement: SCN1A is on the minus strand). VCF-style: chr2-166041293-T-C. GRCh37 (hg19) VCF-style: chr2-166897803-T-C.
Other names: c.2269A>G, p.Met757Val (NM_001165964.3, NM_001353957.2, NM_001353958.2); c.2353A>G, p.Met785Val (NM_001202435.3, NM_001353948.2); c.2320A>G, p.Met774Val (NM_001353949.2, NM_001353950.2, NM_001353951.2 and 2 more transcripts); c.2317A>G, p.Met773Val (NM_001353954.2, NM_001353955.2); c.2266A>G, p.Met756Val (NM_001353960.2); c.-106A>G (NM_001353961.2); short protein forms M774V, M785V, M757V, M773V, M756V.
Identifiers: ClinVar variation 189917 (VCV000189917.14), dbSNP rs767045134, ClinGen allele CA303300.

ClinVar aggregate classification (germline): Pathogenic. Review status: criteria provided, multiple submitters, no conflicts (2 of 4 stars). 5 submissions from 4 submitters: Pathogenic (5). Last evaluated 2025-06-16.

Conditions:
Early-infantile DEE. Also called: Early infantile epileptic encephalopathy; Ohtahara syndrome; Early infantile epileptic encephalopathy with suppression bursts. Identifiers: Orphanet 1934, MedGen C0393706, MONDO:0800491.
Generalized epilepsy with febrile seizures plus, type 2 (GEFSP2). Also called: GEFS+, TYPE 2. Identifiers: Orphanet 36387, MedGen C1858673, MONDO:0011461, OMIM 604403.
Severe myoclonic epilepsy in infancy (DRVT). Also called: Epileptic encephalopathy, early infantile, 6 (Dravet syndrome); SEVERE MYOCLONIC EPILEPSY OF INFANCY; DEVELOPMENTAL AND EPILEPTIC ENCEPHALOPATHY 6A; Severe Myoclonic Epilepsy in Infancy (SMEI); Dravet syndrome. Identifiers: Orphanet 33069, MedGen C0751122, MONDO:0100135, OMIM 607208.

Submissions (5):

Institute of Human Genetics, University of Leipzig Medical Center
Classification: Pathogenic for Generalized epilepsy with febrile seizures plus, type 2. Last evaluated: 2025-06-16. Review status: criteria provided, single submitter. Criteria: ACMG Guidelines, 2015. Collection method: clinical testing. Allele origin: maternal. Inheritance: Autosomal dominant inheritance. Affected: yes.
Comment: Criteria applied: PS2,PS4,PM5_STR,PP3_MOD,PM2_SUP

Department of Neurology, Zibo Changguo Hospital
Classification: Pathogenic for Generalized epilepsy with febrile seizures plus, type 2. Last evaluated: 2025-01-09. Review status: criteria provided, single submitter. Criteria: ACMG Guidelines, 2015. Collection method: clinical testing. Allele origin: maternal. Inheritance: Autosomal dominant inheritance. Affected: yes.
Comment: PS2, PM1, PM2_Supporting, PP2, PP3_Moderate

Institute of Human Genetics, University of Leipzig Medical Center
Classification: Pathogenic for Severe myoclonic epilepsy in infancy. Last evaluated: 2024-02-26. Review status: criteria provided, single submitter. Criteria: ACMG Guidelines, 2015. Collection method: clinical testing. Allele origin: maternal. Inheritance: Autosomal dominant inheritance. Affected: yes.
Comment: Criteria applied: PS2,PM5_STR,PS4_MOD,PM1,PM2_SUP,PP3

Labcorp Genetics (formerly Invitae), Labcorp
Classification: Pathogenic for Early-infantile DEE. Last evaluated: 2024-01-09. Review status: criteria provided, single submitter. Criteria: Invitae Variant Classification Sherloc (09022015). Collection method: clinical testing. Allele origin: germline.
Comment: This sequence change replaces methionine, which is neutral and non-polar, with valine, which is neutral and non-polar, at codon 785 of the SCN1A protein (p.Met785Val). This variant is not present in population databases (gnomAD no frequency). This missense change has been observed in individual(s) with clinical features of SCN1A-related conditions (Invitae). In at least one individual the variant was observed to be de novo. ClinVar contains an entry for this variant (Variation ID: 189917). Advanced modeling of protein sequence and biophysical properties (such as structural, functional, and spatial information, amino acid conservation, physicochemical variation, residue mobility, and thermodynamic stability) performed at Invitae indicates that this missense variant is expected to disrupt SCN1A protein function with a positive predictive value of 95%. For these reasons, this variant has been classified as Pathogenic.

Center for Bioinformatics, Peking University
Classification: Pathogenic for Dravet syndrome. Last evaluated: 2014-12-20. Review status: criteria provided, single submitter. Criteria: Xu et al. (Hum Mutat. 2015). Collection method: research. Allele origin: de novo. Affected: yes. Observed: 1 variant allele. Study: University Clinical Cooperation “985 Project” PKU-2014-1-1.
Comment: Dravet syndrome (DS) probands were recruited from the outpatient and inpatient child neurology units of Peking University First Hospital from 2005 till present. The study was approved by the Ethics Committee of Peking University First Hospital and the Institutional Review Board at Peking University. Participants or their parents provided written informed consent before enrollment. We collected a total of 267 mutations from 255 families with probands diagnosed with DS in China. All probands fulfilled the clinical diagnostic criteria.